The following is an entry in ClinVar:

ClinVar aggregate classification (germline): Conflicting classifications of pathogenicity. Review status: criteria provided, conflicting classifications (1 of 4 stars). 14 submissions from 14 submitters: Likely pathogenic (1); Uncertain significance (9); Likely benign (1). 3 of the submissions do not count toward it. Last evaluated 2025-11-12.

Conditions:
Cardiovascular phenotype. Identifiers: MedGen CN230736.
Cardiac arrhythmia. Also called: Arrhythmia; Cardiac rhythm disease. Identifiers: MedGen C0003811, MONDO:0007263, HP:0011675.
Familial long QT syndrome (RWS). Also called: Congenital long QT syndrome; Romano-Ward syndrome; VENTRICULAR FIBRILLATION WITH PROLONGED QT INTERVAL. Identifiers: Orphanet 768, MedGen C1141890, MONDO:0019171.
Long QT syndrome (LQTS). Identifiers: MedGen C0023976, MeSH D008133, MONDO:0002442. Disease mechanism: loss of function. Inheritance: Various modes of inheritance.
Long QT syndrome 1 (LQT1). Identifiers: Orphanet 101016, Orphanet 768, MedGen C4551647, MONDO:0100316, OMIM 192500, MONDO:0008646.
Atrial fibrillation, familial, 3 (ATFB3). Identifiers: MedGen C1837014, MONDO:0011857, OMIM 607554.

Allele frequency attached by ClinVar (database versions not stated): gnomAD 0.00002; ESP Exome Variant Server 0.00008; TOPMed 0.00002; ExAC 0.00003; gnomAD exomes 0.00004.
gnomAD v4.1: 84 of 1,613,674 alleles (0.0052%); highest among the groups gnomAD compares: Middle Eastern, 0.082%; no homozygotes.

Submissions (14):

Labcorp Genetics (formerly Invitae), Labcorp
Classification: Uncertain significance for Long QT syndrome. Last evaluated: 2025-11-12. Review status: criteria provided, single submitter. Criteria: Invitae Variant Classification Sherloc (09022015). Collection method: clinical testing. Allele origin: germline.
Comment: This sequence change replaces arginine, which is basic and polar, with cysteine, which is neutral and slightly polar, at codon 293 of the KCNQ1 protein (p.Arg293Cys). This variant is present in population databases (rs199472737, gnomAD 0.02%). This missense change has been observed in individual(s) with clinical features of KCNQ1-related conditions (PMID: 15466642, 28944242, 30919684, 31737537, 33876311, 34495297). This variant is also known as c.496C>T (p.Arg166Cys). ClinVar contains an entry for this variant (Variation ID: 67117). Invitae Evidence Modeling of protein sequence and biophysical properties (such as structural, functional, and spatial information, amino acid conservation, physicochemical variation, residue mobility, and thermodynamic stability) has been performed for this missense variant. However, the output from this modeling did not meet the statistical confidence thresholds required to predict the impact of this variant on KCNQ1 protein function. Experimental studies have shown that this missense change does not substantially affect KCNQ1 function (PMID: 33876311). In summary, the available evidence is currently insufficient to determine the role of this variant in disease. Therefore, it has been classified as a Variant of Uncertain Significance.

CeGaT Center for Human Genetics Tuebingen
Classification: Uncertain significance. Last evaluated: 2025-05-01. Review status: criteria provided, single submitter. Criteria: CeGaT Center For Human Genetics Tuebingen Variant Classification Criteria Version 2. Collection method: clinical testing. Allele origin: germline. Affected: yes. Observed: 1 variant allele.
Comment: KCNQ1: PM2:Supporting

GeneDx
Classification: Uncertain significance. Last evaluated: 2025-03-11. Review status: criteria provided, single submitter. Criteria: GeneDx Variant Classification Process June 2021. Collection method: clinical testing. Allele origin: germline. Affected: yes.
Comment: Reported in association with LQTS (PMID: 15466642, 15840476, 28944242, 28438721); In silico analysis supports that this missense variant has a deleterious effect on protein structure/function; This variant is associated with the following publications: (PMID: 28944242, 15466642, 15840476, 19716085, 25985138, 25637381, 27884173, 31737537, 34426522, 36291626, 35703482, 34495297, 33876311, 29197658, 22581653, 28438721, 17470695, 29033053, 35534676, 30919684, 26077850)

Blueprint Genetics
Classification: Likely benign. Last evaluated: 2024-10-04. Review status: criteria provided, single submitter. Criteria: ACMG Guidelines, 2015. Collection method: clinical testing. Allele origin: germline.

All of Us Research Program, National Institutes of Health
Classification: Uncertain significance for Long QT syndrome. Last evaluated: 2024-08-06. Review status: criteria provided, single submitter. Criteria: ACMG Guidelines, 2015. Collection method: clinical testing. Allele origin: germline. Inheritance: Autosomal dominant inheritance. Observed: 16 variant alleles, 16 heterozygotes.
Comment: This missense variant replaces arginine with cysteine at codon 293 of the KCNQ1 protein. Computational prediction is inconclusive regarding the impact of this variant on protein structure and function (internally defined REVEL score threshold 0.5 < inconclusive < 0.7, PMID: 27666373). This variant did not show a deleterious phenotype in cellular electrophysiology study in HEK293T cells (PMID: 33876311). This variant has been reported in individuals affected with long QT syndrome, including ten individuals from four Saudi Arabian families (PMID: 28438721, 28944242, 29033053, 35703482). It has also been observed in two individuals with exercise-induced paradoxical QT prolongation (PMID: 30919684), in an individual affected with sudden death (PMID: 15466642), and in at least five Saudi homozygotes with no arrhythmia phenotype (communication with an external laboratory, PMID: 27884173). This variant has been identified in 10/281640 chromosomes in the general population by the Genome Aggregation Database (gnomAD). The Saudi Human Genome Project has reported this variant to occur at 1.29% allele frequency among over 20,000 individuals tested (PMID: 36973604). The available evidence is insufficient to determine the role of this variant in disease conclusively. Therefore, this variant is classified as a Variant of Uncertain Significance.

This study involves interpretation of variants in research participants for the purpose of population health screening. Participant phenotype was not available at the time of variant classification. Additional details can be found in publication PMID: 35346344, PMCID: PMC8962531

Genomic Medicine Center of Excellence, King Faisal Specialist Hospital and Research Centre
Classification: Uncertain significance for Long QT syndrome 1. Last evaluated: 2024-03-26. Review status: criteria provided, single submitter. Criteria: ACMG Guidelines, 2015. Collection method: clinical testing. Allele origin: germline.

Color Diagnostics, LLC DBA Color Health
Classification: Uncertain significance for Cardiac arrhythmia. Last evaluated: 2024-02-20. Review status: criteria provided, single submitter. Criteria: ACMG Guidelines, 2015. Collection method: clinical testing. Allele origin: germline.
Comment: This missense variant replaces arginine with cysteine at codon 293 of the KCNQ1 protein. Computational prediction is inconclusive regarding the impact of this variant on protein structure and function (internally defined REVEL score threshold 0.5 < inconclusive < 0.7, PMID: 27666373). This variant did not show a deleterious phenotype in cellular electrophysiology study in HEK293T cells (PMID: 33876311). This variant has been reported in individuals affected with long QT syndrome, including ten individuals from four Saudi Arabian families (PMID: 28438721, 28944242, 29033053, 35703482). It has also been observed in two individuals with exercise-induced paradoxical QT prolongation (PMID: 30919684), in an individual affected with sudden death (PMID: 15466642), and in at least five Saudi homozygotes with no arrhythmia phenotype (communication with an external laboratory, PMID: 27884173). This variant has been identified in 10/281640 chromosomes in the general population by the Genome Aggregation Database (gnomAD). The Saudi Human Genome Project has reported this variant to occur at 1.29% allele frequency among over 20,000 individuals tested (PMID: 36973604). The available evidence is insufficient to determine the role of this variant in disease conclusively. Therefore, this variant is classified as a Variant of Uncertain Significance.

MVZ Martinsried, Medicover Genetics
Classification: Likely pathogenic for Long QT syndrome 1. Last evaluated: 2024-02-19. Review status: criteria provided, single submitter. Criteria: ACGS Guidelines, 2020. Collection method: clinical testing. Allele origin: unknown. Affected: yes.
Comment: This variant has been observed in multiple patients with Long QT Syndrome (Choi et al., 2004, Circulation 110:2119; Moss et al., 2007, Circulation 115:2481; Taylor et al., 2015, Nat Genet 47:717). Furthermore, it has been detected in two independant LQTS patients within our in-house cohort. Given its sporadic occurrence in the general population (gnomAD allelfrequency: 0.005%), it is reasonable to infer that it represents a mild variant with reduced penetrance. CardioBoost, an in-silico prediction tool tailored for arrhythmias, predicts the variant to be pathogenic. Moreover, the variant is localized within the functionally relevant S5-S6 loop of the channel (Walsh et al., 2021, Genet Med). Variant classified as likely pathogenic: PM1, PS4_Supporting, PP3, PP4, PP1

Clinical Genetics Laboratory, Skane University Hospital Lund
Classification: Uncertain significance. Last evaluated: 2024-01-29. Review status: criteria provided, single submitter. Criteria: ACMG Guidelines, 2015. Collection method: clinical testing. Allele origin: germline. Affected: yes.

Ambry Genetics
Classification: Uncertain significance for Cardiovascular phenotype. Last evaluated: 2020-11-18. Review status: criteria provided, single submitter. Criteria: Ambry Variant Classification Scheme 2023. Collection method: clinical testing. Allele origin: germline.

Baylor Genetics
Classification: Uncertain significance for Atrial fibrillation, familial, 3. Last evaluated: 2019-09-06. Review status: criteria provided, single submitter. Criteria: ACMG Guidelines, 2015. Collection method: clinical testing. Allele origin: unknown. Affected: yes.
Comment: This variant was determined to be of uncertain significance according to ACMG Guidelines, 2015 [PMID:25741868].

Biochemical Molecular Genetic Laboratory, King Abdulaziz Medical City
Classification: Uncertain significance for Long QT syndrome 1. Last evaluated: 2020-09-10. Review status: no assertion criteria provided. Collection method: clinical testing. Allele origin: germline. Affected: yes. Not counted in ClinVar's aggregate classification.

CSER _CC_NCGL, University of Washington
Classification: Uncertain significance for Long QT syndrome. Last evaluated: 2014-06-01. Review status: no assertion criteria provided. Collection method: research. Allele origin: germline. Inheritance: Autosomal dominant inheritance. Study: ESP 6500 variant annotation. Not counted in ClinVar's aggregate classification.
Comment: Variants classified for the Actionable exomic incidental findings in 6503 participants: challenges of variant classification manuscript

Cardiovascular Biomedical Research Unit, Royal Brompton & Harefield NHS Foundation Trust
No classification provided. Condition: Familial long QT syndrome. Review status: no classification provided. Collection method: literature only. Allele origin: germline. Not counted in ClinVar's aggregate classification.
Comment: This variant has been reported as associated with Long QT syndrome in the following publications (PMID:15466642;PMID:15840476;PMID:19716085). This is a literature report, and does not necessarily reflect the clinical interpretation of the Imperial College / Royal Brompton Cardiovascular Genetics laboratory.

Literature cited by the submitters: PubMed 15466642 (cited by 4 submitters); PubMed 28944242 (cited by 3 submitters); PubMed 30919684 (cited by 3 submitters); PubMed 31737537 (cited by Labcorp Genetics (formerly Invitae), Labcorp); PubMed 33876311 (cited by 3 submitters); PubMed 34495297 (cited by Labcorp Genetics (formerly Invitae), Labcorp); PubMed 27884173 (cited by All of Us Research Program, National Institutes of Health); PubMed 28438721 (cited by All of Us Research Program, National Institutes of Health and Color Diagnostics, LLC DBA Color Health); PubMed 29033053 (cited by All of Us Research Program, National Institutes of Health and Color Diagnostics, LLC DBA Color Health); PubMed 35703482 (cited by All of Us Research Program, National Institutes of Health and Color Diagnostics, LLC DBA Color Health); PubMed 36973604 (cited by All of Us Research Program, National Institutes of Health and Color Diagnostics, LLC DBA Color Health); PubMed 15840476 (cited by Cardiovascular Biomedical Research Unit, Royal Brompton & Harefield NHS Foundation Trust); PubMed 19716085 (cited by Cardiovascular Biomedical Research Unit, Royal Brompton & Harefield NHS Foundation Trust); PubMed 22581653 (cited by Cardiovascular Biomedical Research Unit, Royal Brompton & Harefield NHS Foundation Trust).

NM_000218.3(KCNQ1):c.877C>T (p.Arg293Cys)

Gene: KCNQ1 (potassium voltage-gated channel subfamily Q member 1; plus strand). Cytogenetic location: 11p15.5.
Variant type: single nucleotide variant.
Coding change: c.877C>T on transcript NM_000218.3 (MANE Select); coding-DNA position 877, C replaced by T.
Protein change: p.Arg293Cys; replaces arginine 293 with cysteine.
Molecular consequence: missense variant.
Genome position (GRCh38, 1-based): chr11:2,572,942, C>T. VCF-style: chr11-2572942-C-T. GRCh37 (hg19) VCF-style: chr11-2594172-C-T.
Other names: p.R293C:CGC>TGC; c.877C>T (LRG_287t1); c.877C>T, p.Arg293Cys (NM_001406836.1); c.607C>T, p.Arg203Cys (NM_001406837.1); c.496C>T, p.Arg166Cys (NM_181798.2); short protein forms R293C, R166C, R203C.
Identifiers: ClinVar variation 67117 (VCV000067117.43), dbSNP rs199472737, ClinGen allele CA008527.